The following is an entry in ClinVar:

NM_004204.5(PIGQ):c.1531+5G>A

Gene: PIGQ (phosphatidylinositol glycan anchor biosynthesis class Q; plus strand). Cytogenetic location: 16p13.3.
Variant type: single nucleotide variant.
Coding change: c.1531+5G>A on transcript NM_004204.5 (MANE Select); 5 bases into the intron after coding-DNA position 1531, G replaced by A.
Molecular consequence: intron variant.
Genome position (GRCh38, 1-based): chr16:580,977, G>A. VCF-style: chr16-580977-G-A. GRCh37 (hg19) VCF-style: chr16-630977-G-A.
Other names: c.1531+5G>A (NM_148920.4).
Identifiers: ClinVar variation 1462531 (VCV001462531.3), dbSNP rs2035801003, ClinGen allele CA2201120289.

ClinVar aggregate classification (germline): Uncertain significance (1 of 4 stars; one submission).

Conditions:
Epilepsy. Also called: Seizure disorder. Identifiers: MedGen C0014544, MeSH D004827, MONDO:0005027.

Allele frequency attached by ClinVar (database versions not stated): gnomAD exomes 0.00001; TOPMed 0.00001.
gnomAD v4.1: 11 of 1,587,464 alleles (0.00069%); highest among the groups gnomAD compares: Non-Finnish European, 0.00095%; no homozygotes.

Submission:

Labcorp Genetics (formerly Invitae), Labcorp
Classification: Uncertain significance for Epilepsy. Last evaluated: 2021-03-24. Review status: criteria provided, single submitter. Criteria: Invitae Variant Classification Sherloc (09022015). Collection method: clinical testing. Allele origin: germline.
Comment: This sequence change falls in intron 9 of the PIGQ gene. It does not directly change the encoded amino acid sequence of the PIGQ protein. It affects a nucleotide within the consensus splice site of the intron. This variant is not present in population databases (ExAC no frequency). This variant has not been reported in the literature in individuals with PIGQ-related conditions. Nucleotide substitutions within the consensus splice site are a relatively common cause of aberrant splicing (PMID: 17576681, 9536098). Algorithms developed to predict the effect of sequence changes on RNA splicing suggest that this variant may disrupt the consensus splice site, but this prediction has not been confirmed by published transcriptional studies. In summary, the available evidence is currently insufficient to determine the role of this variant in disease. Therefore, it has been classified as a Variant of Uncertain Significance.

Literature cited by the submitters: PubMed 17576681; PubMed 9536098.